The following is an entry in ClinVar:

ClinVar aggregate classification (germline): Benign/Likely benign. Review status: criteria provided, multiple submitters, no conflicts (2 of 4 stars). 3 submissions from 3 submitters: Benign (1); Likely benign (2). Last evaluated 2026-05-01.

Conditions:
Cardiovascular phenotype. Identifiers: MedGen CN230736.
Long QT syndrome (LQTS). Identifiers: MedGen C0023976, MeSH D008133, MONDO:0002442. Disease mechanism: loss of function. Inheritance: Various modes of inheritance.

Allele frequency attached by ClinVar (database versions not stated): 1000 Genomes Project below 0.00001; gnomAD 0.00003; TOPMed 0.00005; gnomAD exomes 0.00011 and 0.00026; ExAC 0.00030; 1000 Genomes Project 30x 0.00031.
gnomAD v4.1: 72 of 1,614,024 alleles (0.0045%); highest among the groups gnomAD compares: Admixed American, 0.12%; no homozygotes.

Submissions (3):

CeGaT Center for Human Genetics Tuebingen
Classification: Likely benign. Last evaluated: 2026-05-01. Review status: criteria provided, single submitter. Criteria: CeGaT Center For Human Genetics Tuebingen Variant Classification Criteria Version 2. Collection method: clinical testing. Allele origin: germline. Affected: yes. Observed: 1 variant allele.
Comment: ANK2: BS1

Labcorp Genetics (formerly Invitae), Labcorp
Classification: Likely benign for Long QT syndrome. Last evaluated: 2026-01-15. Review status: criteria provided, single submitter. Criteria: Invitae Variant Classification Sherloc (09022015). Collection method: clinical testing. Allele origin: germline.

Ambry Genetics
Classification: Benign for Cardiovascular phenotype. Last evaluated: 2022-01-24. Review status: criteria provided, single submitter. Criteria: Ambry Variant Classification Scheme 2023. Collection method: clinical testing. Allele origin: germline.

Literature cited by the submitters: PubMed 25661095 (cited by Ambry Genetics).

NM_001148.6(ANK2):c.6662G>A (p.Gly2221Glu)

Gene: ANK2 (ankyrin 2; plus strand). Cytogenetic location: 4q26.
Variant type: single nucleotide variant.
Coding change: c.6662G>A on transcript NM_001148.6 (MANE Select); coding-DNA position 6662, G replaced by A.
Protein change: p.Gly2221Glu; replaces glycine 2221 with glutamic acid.
Molecular consequence: missense variant. On other transcripts: intron variant (68).
Genome position (GRCh38, 1-based): chr4:113,355,280, G>A. VCF-style: chr4-113355280-G-A. GRCh37 (hg19) VCF-style: chr4-114276436-G-A.
Other names: c.6428G>A, p.Gly2143Glu (NM_001386142.1); c.3062G>A, p.Gly1021Glu (NM_001386166.1); c.6803G>A, p.Gly2268Glu (NM_001386174.1); c.6779G>A, p.Gly2260Glu (NM_001386175.1); c.4411+5031G>A (NM_001386186.2, NM_001386148.2); c.4213+5031G>A (NM_001354269.3); c.4291+5031G>A (NM_001386187.2); c.4252+5031G>A (NM_001386147.1); and 35 more; short protein forms G2221E, G1021E, G2143E, G2260E, G2268E.
Identifiers: ClinVar variation 413951 (VCV000413951.15), dbSNP rs185384934, ClinGen allele CA3051453.